The following is an entry in ClinVar:

NM_001292034.3(TAB2):c.1509T>G (p.Ile503Met)

Genes: TAB2 (TGF-beta activated kinase 1 (MAP3K7) binding protein 2; plus strand), LOC126859827 (BRD4-independent group 4 enhancer GRCh37_chr6:149699707-149700906; plus strand). Cytogenetic location: 6q25.1.
Variant type: single nucleotide variant.
Coding change: c.1509T>G on transcript NM_001292034.3 (MANE Select); coding-DNA position 1509, T replaced by G.
Protein change: p.Ile503Met; replaces isoleucine 503 with methionine.
Molecular consequence: missense variant.
Genome position (GRCh38, 1-based): chr6:149,379,424, T>G. VCF-style: chr6-149379424-T-G. GRCh37 (hg19) VCF-style: chr6-149700560-T-G.
Other names: c.1413T>G, p.Ile471Met (NM_001292035.3); c.1509T>G, p.Ile503Met (NM_001369506.1, NM_015093.6); short protein forms I471M, I503M.
Identifiers: ClinVar variation 4992425 (VCV004992425.1).
Genomic context (GRCh38, chr6:149,379,424, plus strand): 5'-TACCTTTGAACTTACAAATCTTCTTAATCATCCTGATCATTATGTAGAAACCGAGAATAT[T>G]CAGCACCTCACGGACCCTACATTAGCACATGTGGATAGAATAAGTGAAACACGGAAACTG-3'
Protein context (NP_001278963.1, residues 493-513): HPDHYVETEN[Ile503Met]QHLTDPTLAH

ClinVar aggregate classification (germline): Uncertain significance (1 of 4 stars; one submission).

Conditions:
TAB2-related disorder.

Submission:

PreventionGenetics, part of Exact Sciences
Classification: Uncertain significance for TAB2-related condition. Last evaluated: 2026-02-13. Review status: criteria provided, single submitter. Criteria: ACMG Guidelines, 2015. Collection method: clinical testing. Allele origin: germline.
Comment: The TAB2 c.1509T>G variant is predicted to result in the amino acid substitution p.Ile503Met. To our knowledge, this variant has not been reported in the literature or in a large population database (gnomAD), indicating this variant is rare. At this time, the clinical significance of this variant is uncertain due to the absence of conclusive functional and genetic evidence.